The following is an entry in ClinVar:

ClinVar aggregate classification (germline): Uncertain significance (1 of 4 stars; one submission).

Conditions:
Developmental and epileptic encephalopathy. Identifiers: MedGen C5779964, MONDO:0100620.

Submission:

Labcorp Genetics (formerly Invitae), Labcorp
Classification: Uncertain significance for Early-infantile DEE. Last evaluated: 2023-02-08. Review status: criteria provided, single submitter. Criteria: Invitae Variant Classification Sherloc (09022015). Collection method: clinical testing. Allele origin: unknown.
Comment: This variant results in a copy number gain of the genomic region encompassing exon(s) 17-26 of the SCN1A gene. This region includes the termination codon of the gene. This copy number gain extends beyond the assayed region for this gene and therefore may encompass additional genes. As the precise location of this event is unknown, it may be in tandem or it may be located elsewhere in the genome. This variant has not been reported in the literature in individuals affected with SCN1A-related conditions. In summary, the available evidence is currently insufficient to determine the role of this variant in disease. Therefore, it has been classified as a Variant of Uncertain Significance.

NC_000002.11:g.(?_166847755)_(166872257_?)dup

Gene: SCN1A (sodium voltage-gated channel alpha subunit 1; minus strand). Cytogenetic location: 2q24.3.
Variant type: Duplication.
Identifiers: ClinVar variation 3247196 (VCV003247196.1).